The following is an entry in ClinVar:

NM_014975.3(MAST1):c.545A>G (p.Tyr182Cys)

Genes: MAST1 (microtubule associated serine/threonine kinase 1; plus strand), LOC117125587 (CRISPRi-FlowFISH-validated KLF1 and PRDX2 regulatory element; plus strand). Cytogenetic location: 19p13.13.
Variant type: single nucleotide variant.
Coding change: c.545A>G on transcript NM_014975.3 (MANE Select); coding-DNA position 545, A replaced by G.
Protein change: p.Tyr182Cys; replaces tyrosine 182 with cysteine.
Molecular consequence: missense variant.
Genome position (GRCh38, 1-based): chr19:12,847,668, A>G. VCF-style: chr19-12847668-A-G. GRCh37 (hg19) VCF-style: chr19-12958482-A-G.
Other names: short protein forms Y182C.
Identifiers: ClinVar variation 2429720 (VCV002429720.1), dbSNP rs2512523784, ClinGen allele CA404260120.

ClinVar aggregate classification (germline): Uncertain significance (1 of 4 stars; one submission).

Submission:

GeneDx
Classification: Uncertain significance. Last evaluated: 2022-08-11. Review status: criteria provided, single submitter. Criteria: GeneDx Variant Classification Process June 2021. Collection method: clinical testing. Allele origin: germline. Affected: yes.
Comment: Not observed at significant frequency in large population cohorts (gnomAD); In silico analysis supports that this missense variant has a deleterious effect on protein structure/function; Has not been previously published as pathogenic or benign to our knowledge